The following is an entry in ClinVar:

ClinVar aggregate classification (germline): Likely benign. Review status: criteria provided, multiple submitters, no conflicts (2 of 4 stars). 4 submissions from 4 submitters: Likely benign (4). Last evaluated 2026-06-01.

Conditions:
Episodic ataxia type 2 (EA2). Also called: ATAXIA, EPISODIC, WITH NYSTAGMUS; ATAXIA, FAMILIAL PAROXYSMAL; CEREBELLAR ATAXIA, PAROXYSMAL, ACETAZOLAMIDE-RESPONSIVE; CEREBELLOPATHY, HEREDITARY PAROXYSMAL; EPISODIC ATAXIA, NYSTAGMUS-ASSOCIATED; ACETAZOLAMIDE-RESPONSIVE HEREDITARY PAROXYSMAL CEREBELLAR ATAXIA. Identifiers: Orphanet 97, MedGen C1720416, MONDO:0007163, OMIM 108500.
Developmental and epileptic encephalopathy, 42 (DEE42A). Also called: DEVELOPMENTAL AND EPILEPTIC ENCEPHALOPATHY 42A; EPILEPTIC ENCEPHALOPATHY, EARLY INFANTILE, 42A; Epileptic encephalopathy, early infantile, 42. Identifiers: MedGen C4310716, MONDO:0014917, OMIM 617106.

Allele frequency attached by ClinVar (database versions not stated): ExAC 0.00002; gnomAD exomes 0.00002 and 0.00004; gnomAD 0.00004 and 0.00006; TOPMed 0.00006.
gnomAD v4.1: 62 of 1,583,252 alleles (0.0039%); highest among the groups gnomAD compares: Middle Eastern, 0.083%; no homozygotes.

Submissions (4):

Women's Health and Genetics/Laboratory Corporation of America, LabCorp
Classification: Likely benign. Last evaluated: 2026-06-01. Review status: criteria provided, single submitter. Criteria: LabCorp Variant Classification Summary - May 2015. Collection method: clinical testing. Allele origin: germline.

Labcorp Genetics (formerly Invitae), Labcorp
Classification: Likely benign for Developmental and epileptic encephalopathy, 42; Episodic ataxia type 2. Last evaluated: 2025-07-27. Review status: criteria provided, single submitter. Criteria: Invitae Variant Classification Sherloc (09022015). Collection method: clinical testing. Allele origin: germline.

Blueprint Genetics
Classification: Likely benign. Last evaluated: 2023-11-01. Review status: criteria provided, single submitter. Criteria: ACMG Guidelines, 2015. Collection method: clinical testing. Allele origin: germline.

GeneDx
Classification: Likely benign. Last evaluated: 2018-02-07. Review status: criteria provided, single submitter. Criteria: GeneDx Variant Classification (06012015). Collection method: clinical testing. Allele origin: germline. Affected: yes.
Comment: This variant is considered likely benign or benign based on one or more of the following criteria: it is a conservative change, it occurs at a poorly conserved position in the protein, it is predicted to be benign by multiple in silico algorithms, and/or has population frequency not consistent with disease.

NM_001127222.2(CACNA1A):c.5731+14A>G

Gene: CACNA1A (calcium voltage-gated channel subunit alpha1 A; minus strand). Cytogenetic location: 19p13.13.
Variant type: single nucleotide variant.
Coding change: c.5731+14A>G on transcript NM_001127222.2 (MANE Select); 14 bases into the intron after coding-DNA position 5731, A replaced by G.
Molecular consequence: intron variant.
Genome position (GRCh38, 1-based): chr19:13,224,653, T>C on the plus strand (A>G on the coding strand, the complement: CACNA1A is on the minus strand). VCF-style: chr19-13224653-T-C. GRCh37 (hg19) VCF-style: chr19-13335467-T-C.
Other names: c.5734+14A>G (NM_001127221.2); c.5740+14A>G (NM_001174080.2); c.5749+14A>G (NM_000068.4, NM_023035.3).
Identifiers: ClinVar variation 511244 (VCV000511244.11), dbSNP rs762304728, ClinGen allele CA9239618.
Genomic context (GRCh38, chr19:13,224,653, plus strand): 5'-GTTTGGGGTAGGGAGGGAGATCCCCGGTTCCACCCTGTCACGCCTGTCTGTGCCCGCCCC[T>C]GTCCCTTCCTTACCCTTGGCAATCTTGATGTCCAGGGCTGTGCGGATCAGAGCCATGAGG-3'